The following is an entry in ClinVar:

NM_021813.4(BACH2):c.482G>A (p.Gly161Glu)

Gene: BACH2 (BACH transcriptional regulator 2; minus strand). Cytogenetic location: 6q15.
Variant type: single nucleotide variant.
Coding change: c.482G>A on transcript NM_021813.4 (MANE Select); coding-DNA position 482, G replaced by A.
Protein change: p.Gly161Glu; replaces glycine 161 with glutamic acid.
Molecular consequence: missense variant.
Genome position (GRCh38, 1-based): chr6:89,951,624, C>T on the plus strand (G>A on the coding strand, the complement: BACH2 is on the minus strand). VCF-style: chr6-89951624-C-T. GRCh37 (hg19) VCF-style: chr6-90661343-C-T.
Other names: c.482G>A, p.Gly161Glu (NM_001170794.2); short protein forms G161E.
Identifiers: ClinVar variation 1902327 (VCV001902327.5), dbSNP rs760001259, ClinGen allele CA3928159.

ClinVar aggregate classification (germline): Uncertain significance (1 of 4 stars; one submission).

Allele frequency attached by ClinVar (database versions not stated): ExAC 0.00003; gnomAD 0.00003; TOPMed 0.00004.
gnomAD v4.1: 44 of 1,614,108 alleles (0.0027%); highest among the groups gnomAD compares: Non-Finnish European, 0.0036%; no homozygotes.

Submission:

Labcorp Genetics (formerly Invitae), Labcorp
Classification: Uncertain significance. Last evaluated: 2026-01-12. Review status: criteria provided, single submitter. Criteria: Invitae Variant Classification Sherloc (09022015). Collection method: clinical testing. Allele origin: germline.
Comment: This sequence change replaces glycine, which is neutral and non-polar, with glutamic acid, which is acidic and polar, at codon 161 of the BACH2 protein (p.Gly161Glu). This variant is present in population databases (rs760001259, gnomAD 0.01%). This variant has not been reported in the literature in individuals affected with BACH2-related conditions. ClinVar contains an entry for this variant (Variation ID: 1902327). An algorithm developed to predict the effect of missense changes on protein structure and function (PolyPhen-2) suggests that this variant is likely to be disruptive. In summary, the available evidence is currently insufficient to determine the role of this variant in disease. Therefore, it has been classified as a Variant of Uncertain Significance.